The following is an entry in ClinVar:

ClinVar aggregate classification (germline): Uncertain significance. Review status: criteria provided, multiple submitters, no conflicts (2 of 4 stars). 2 submissions from 2 submitters: Uncertain significance (2). Last evaluated 2025-09-22.

Conditions:
Inborn genetic diseases. Identifiers: MedGen C0950123, MeSH D030342.
Atrial fibrillation, familial, 6 (ATFB6). Identifiers: MedGen C2677294, MONDO:0012816, OMIM 612201.

Allele frequency attached by ClinVar (database versions not stated): gnomAD 0.00001; ExAC 0.00002; gnomAD exomes 0.00002 and 0.00005; TOPMed 0.00002.

Submissions (2):

Ambry Genetics
Classification: Uncertain significance for Inborn genetic diseases. Last evaluated: 2025-09-22. Review status: criteria provided, single submitter. Criteria: Ambry Variant Classification Scheme 2023. Collection method: clinical testing. Allele origin: germline.

Labcorp Genetics (formerly Invitae), Labcorp
Classification: Uncertain significance for Atrial fibrillation, familial, 6. Last evaluated: 2024-11-10. Review status: criteria provided, single submitter. Criteria: Invitae Variant Classification Sherloc (09022015). Collection method: clinical testing. Allele origin: germline.
Comment: This sequence change replaces methionine, which is neutral and non-polar, with valine, which is neutral and non-polar, at codon 38 of the NPPA protein (p.Met38Val). The frequency data for this variant in the population databases is considered unreliable, as metrics indicate poor data quality at this position in the gnomAD database. This variant has not been reported in the literature in individuals affected with NPPA-related conditions. ClinVar contains an entry for this variant (Variation ID: 644514). An algorithm developed to predict the effect of missense changes on protein structure and function outputs the following: PolyPhen-2: "Benign". The valine amino acid residue is found in multiple mammalian species, which suggests that this missense change does not adversely affect protein function. In summary, the available evidence is currently insufficient to determine the role of this variant in disease. Therefore, it has been classified as a Variant of Uncertain Significance.

NM_006172.4(NPPA):c.112A>G (p.Met38Val)

Genes: NPPA (natriuretic peptide A; minus strand), NPPA-AS1 (NPPA antisense RNA 1; plus strand), LOC114827827 (VISTA enhancer hs2123; plus strand). Cytogenetic location: 1p36.22.
Variant type: single nucleotide variant.
Coding change: c.112A>G on transcript NM_006172.4 (MANE Select); coding-DNA position 112, A replaced by G.
Protein change: p.Met38Val; replaces methionine 38 with valine.
Molecular consequence: missense variant. On other transcripts: non-coding transcript variant (1).
Genome position (GRCh38, 1-based): chr1:11,847,573, T>C on the plus strand (A>G on the coding strand, the complement: NPPA is on the minus strand). VCF-style: chr1-11847573-T-C. GRCh37 (hg19) VCF-style: chr1-11907630-T-C.
Other names: c.112A>G (LRG_751t1); short protein forms M38V.
Identifiers: ClinVar variation 644514 (VCV000644514.11), dbSNP rs764360980, ClinGen allele CA597103.